The following is an entry in ClinVar:

ClinVar aggregate classification (germline): Uncertain significance (1 of 4 stars; one submission).

Submission:

Ambry Genetics
Classification: Uncertain significance. Last evaluated: 2023-09-28. Review status: criteria provided, single submitter. Criteria: Ambry Variant Classification Scheme 2023. Collection method: clinical testing. Allele origin: germline.
Comment: The p.G116E variant (also known as c.347G>A), located in coding exon 1 of the TERF2IP gene, results from a G to A substitution at nucleotide position 347. The glycine at codon 116 is replaced by glutamic acid, an amino acid with similar properties. This amino acid position is conserved. In addition, this alteration is predicted to be tolerated by in silico analysis. Since supporting evidence is limited at this time, the clinical significance of this alteration remains unclear.

NM_018975.4(TERF2IP):c.347G>A (p.Gly116Glu)

Gene: TERF2IP (TERF2 interacting protein; plus strand). Cytogenetic location: 16q23.1.
Variant type: single nucleotide variant.
Coding change: c.347G>A on transcript NM_018975.4 (MANE Select); coding-DNA position 347, G replaced by A.
Protein change: p.Gly116Glu; replaces glycine 116 with glutamic acid.
Molecular consequence: missense variant. On other transcripts: non-coding transcript variant (1).
Genome position (GRCh38, 1-based): chr16:75,648,229, G>A. VCF-style: chr16-75648229-G-A. GRCh37 (hg19) VCF-style: chr16-75682127-G-A.
Other names: short protein forms G116E.
Identifiers: ClinVar variation 3227169 (VCV003227169.1), dbSNP rs546081204, ClinGen allele CA396817715.